The following is an entry in ClinVar:

ClinVar aggregate classification (germline): Uncertain significance. Review status: criteria provided, single submitter (1 of 4 stars). 2 submissions from 1 submitter: Uncertain significance (1). 1 of the submissions does not count toward it. Last evaluated 2022-10-03.

Conditions:
Actin accumulation myopathy (CMYO2A). Also called: Nemaline myopathy type 3; Myopathy, actin, congenital, with excess of thin myofilaments; Myopathy, actin, congenital, with cores; Nemaline myopathy 3, with intranuclear rods; CONGENITAL MYOPATHY 2A, TYPICAL, AUTOSOMAL DOMINANT. Identifiers: Orphanet 98904, MedGen C3711389, MONDO:0008070, OMIM 161800.

Submissions (2):

Labcorp Genetics (formerly Invitae), Labcorp
Classification: Uncertain significance for Actin accumulation myopathy. Last evaluated: 2022-10-03. Review status: criteria provided, single submitter. Criteria: Invitae Variant Classification Sherloc (09022015). Collection method: clinical testing. Allele origin: germline.
Comment: A copy number gain of the genomic region encompassing the full coding sequence of the ACTA1 gene has been identified. The boundaries of this event are unknown as they extend beyond the assayed region for this gene and therefore may encompass additional genes. As the precise location of this event is unknown, it may be in tandem or it may be located elsewhere in the genome. This variant has not been reported in the literature in individuals affected with ACTA1-related conditions. In summary, the available evidence is currently insufficient to determine the role of this variant in disease. Therefore, it has been classified as a Variant of Uncertain Significance.

Labcorp Genetics (formerly Invitae), Labcorp
Classification: Uncertain significance. Last evaluated: 2022-07-12. Review status: flagged submission. Criteria: Invitae Variant Classification Sherloc (09022015). Collection method: clinical testing. Allele origin: germline. Not counted in ClinVar's aggregate classification.
Comment: A copy number gain of the genomic region encompassing the full coding sequence of the GNPAT gene has been identified. The boundaries of this event are unknown as they extend beyond the assayed region for this gene and therefore may encompass additional genes. As the precise location of this event is unknown, it may be in tandem or it may be located elsewhere in the genome. This variant has not been reported in the literature in individuals affected with GNPAT-related conditions. In summary, the available evidence is currently insufficient to determine the role of this variant in disease. Therefore, it has been classified as a Variant of Uncertain Significance.
ClinVar note: Reason: This record appears to be redundant with a more recent record from the same submitter.
ClinVar note: Notes: SCV002184930 appears to be redundant with SCV003791122.

NC_000001.10:g.(?_229567246)_(232172577_?)dup

Genes: ABCB10 (ATP binding cassette subfamily B member 10; minus strand), ACTA1 (actin alpha 1, skeletal muscle; minus strand), AGT (angiotensinogen; minus strand), ARV1 (ARV1 homolog, fatty acid homeostasis modulator; plus strand), C1orf198 (chromosome 1 open reading frame 198; minus strand) and 18 more. Cytogenetic location: 1q42.13-42.2.
Variant type: Duplication.
Identifiers: ClinVar variation 1411795 (VCV001411795.9).